The following is an entry in ClinVar:

ClinVar aggregate classification (germline): Uncertain significance (1 of 4 stars; one submission).

Conditions:
Hereditary cancer-predisposing syndrome. Also called: Tumor predisposition; Neoplastic Syndromes, Hereditary; Hereditary neoplastic syndrome; Hereditary Cancer Syndrome. Identifiers: Orphanet 140162, MedGen C0027672, MeSH D009386, MONDO:0015356.

Submission:

Ambry Genetics
Classification: Uncertain significance for Hereditary cancer-predisposing syndrome. Last evaluated: 2024-10-12. Review status: criteria provided, single submitter. Criteria: Ambry Variant Classification Scheme 2023. Collection method: clinical testing. Allele origin: germline.
Comment: The p.P1480A variant (also known as c.4438C>G), located in coding exon 29 of the ATM gene, results from a C to G substitution at nucleotide position 4438. The proline at codon 1480 is replaced by alanine, an amino acid with highly similar properties. This amino acid position is conserved. In addition, this alteration is predicted to be tolerated by in silico analysis. Based on the available evidence, the clinical significance of this variant remains unclear.

NM_000051.4(ATM):c.4438C>G (p.Pro1480Ala)

Gene: ATM (ATM serine/threonine kinase; plus strand). Cytogenetic location: 11q22.3.
Variant type: single nucleotide variant.
Coding change: c.4438C>G on transcript NM_000051.4 (MANE Select); coding-DNA position 4438, C replaced by G.
Protein change: p.Pro1480Ala; replaces proline 1480 with alanine.
Molecular consequence: missense variant.
Genome position (GRCh38, 1-based): chr11:108,292,620, C>G. VCF-style: chr11-108292620-C-G. GRCh37 (hg19) VCF-style: chr11-108163347-C-G.
Other names: c.4438C>G, p.Pro1480Ala (NM_001351834.2); short protein forms P1480A.
Identifiers: ClinVar variation 3451870 (VCV003451870.1).